The following is an entry in ClinVar:

NM_017763.6(RNF43):c.2194C>G (p.Arg732Gly)

Gene: RNF43 (ring finger protein 43; minus strand). Cytogenetic location: 17q22.
Variant type: single nucleotide variant.
Coding change: c.2194C>G on transcript NM_017763.6 (MANE Select); coding-DNA position 2194, C replaced by G.
Protein change: p.Arg732Gly; replaces arginine 732 with glycine.
Molecular consequence: missense variant.
Genome position (GRCh38, 1-based): chr17:58,357,582, G>C on the plus strand (C>G on the coding strand, the complement: RNF43 is on the minus strand). VCF-style: chr17-58357582-G-C. GRCh37 (hg19) VCF-style: chr17-56434943-G-C.
Other names: c.2194C>G, p.Arg732Gly (NM_001305544.3); c.1813C>G, p.Arg605Gly (NM_001305545.2); short protein forms R605G, R732G.
Identifiers: ClinVar variation 2172027 (VCV002172027.6), dbSNP rs775335997, ClinGen allele CA400385840.

ClinVar aggregate classification (germline): Uncertain significance. Review status: criteria provided, multiple submitters, no conflicts (2 of 4 stars). 2 submissions from 2 submitters: Uncertain significance (2). Last evaluated 2025-05-05.

Submissions (2):

Ambry Genetics
Classification: Uncertain significance. Last evaluated: 2025-05-05. Review status: criteria provided, single submitter. Criteria: Ambry Variant Classification Scheme 2023. Collection method: clinical testing. Allele origin: germline.

Labcorp Genetics (formerly Invitae), Labcorp
Classification: Uncertain significance. Last evaluated: 2022-03-04. Review status: criteria provided, single submitter. Criteria: Invitae Variant Classification Sherloc (09022015). Collection method: clinical testing. Allele origin: germline.
Comment: This sequence change replaces arginine, which is basic and polar, with glycine, which is neutral and non-polar, at codon 732 of the RNF43 protein (p.Arg732Gly). This variant is present in population databases (no rsID available, gnomAD 0.0009%). This variant has not been reported in the literature in individuals affected with RNF43-related conditions. Algorithms developed to predict the effect of missense changes on protein structure and function (SIFT, PolyPhen-2, Align-GVGD) all suggest that this variant is likely to be tolerated. In summary, the available evidence is currently insufficient to determine the role of this variant in disease. Therefore, it has been classified as a Variant of Uncertain Significance.